The following is an entry in ClinVar:

NM_001009944.3(PKD1):c.755_771del (p.Pro252fs)

Gene: PKD1 (polycystin 1, transient receptor potential channel interacting; minus strand). Cytogenetic location: 16p13.3.
Variant type: Deletion.
Coding change: c.755_771del on transcript NM_001009944.3 (MANE Select); coding-DNA positions 755 to 771, 17 bases deleted (CGCCACCTCCTGCCCCC).
Protein change: p.Pro252fs; shifts the reading frame from proline 252.
Molecular consequence: frameshift variant.
Genome position (GRCh38, 1-based): chr16:2,118,221-2,118,237, GGGGGCAGGAGGTGGCG deleted on the plus strand (CGCCACCTCCTGCCCCC on the coding strand, the reverse complement: PKD1 is on the minus strand); deleting any 17 consecutive bases within chr16:2,118,221-2,118,243 gives the same sequence; the c. name uses the placement nearest the transcript's 3' end. VCF-style (leftmost placement, unchanged base first): chr16-2118220-TGGGGGCAGGAGGTGGCG-T. GRCh37 (hg19) VCF-style: chr16-2168221-TGGGGGCAGGAGGTGGCG-T.
Other names: c.755_771del, p.Pro252fs (NM_000296.4); short protein forms P252fs.
Identifiers: ClinVar variation 4533301 (VCV004533301.2).

ClinVar aggregate classification (germline): Pathogenic. Review status: criteria provided, multiple submitters, no conflicts (2 of 4 stars). 2 submissions from 2 submitters: Pathogenic (2). Last evaluated 2025-11-06.

Conditions:
Polycystic kidney disease, adult type (PKD1). Also called: Polycystic Kidney, Autosomal Dominant; POLYCYSTIC KIDNEY DISEASE, ADULT, TYPE I; Polycystic Kidney Disease 1, Autosomal Dominant; Polycystic kidney disease 1; Polycystic kidney disease 1, severe; POLYCYSTIC KIDNEY DISEASE 1 WITH OR WITHOUT POLYCYSTIC LIVER DISEASE. Identifiers: MedGen C3149841, MONDO:0008263, OMIM 173900.
PKD1-related disorder. Also called: PKD1-related condition.

Submissions (2):

Institute of Human Genetics, University of Leipzig Medical Center
Classification: Pathogenic for Polycystic kidney disease, adult type. Last evaluated: 2025-11-06. Review status: criteria provided, single submitter. Criteria: ACMG Guidelines, 2015. Collection method: clinical testing. Allele origin: unknown. Inheritance: Autosomal dominant inheritance. Affected: yes.
Comment: Criteria applied: PVS1,PM2,PS4_SUP

Blueprint Genetics
Classification: Pathogenic for PKD1-related disorders. Last evaluated: 2022-12-27. Review status: criteria provided, single submitter. Criteria: ACMG Guidelines, 2015. Collection method: clinical testing. Allele origin: germline. Affected: yes. Observed: 1 variant allele.